The following is an entry in ClinVar:

ClinVar aggregate classification (germline): Likely pathogenic. Review status: criteria provided, multiple submitters, no conflicts (2 of 4 stars). 2 submissions from 2 submitters: Likely pathogenic (2). Last evaluated 2026-07-01.

Conditions:
Glycogen storage disease, type II (IOPD). Also called: Pompe Disease; CARDIOMEGALIA GLYCOGENICA DIFFUSA; GLYCOGENOSIS, GENERALIZED, CARDIAC FORM; GSD II; POMPE DISEASE, INFANTILE-ONSET; GLYCOGEN STORAGE DISEASE II, INFANTILE-ONSET. Identifiers: Orphanet 365, MedGen C0017921, MONDO:0009290, OMIM 232300.

Submissions (2):

Genomenon, Inc
Classification: Likely pathogenic for Glycogen storage disease, type II. Last evaluated: 2026-07-01. Review status: criteria provided, single submitter. Criteria: Genomenon Sequence Variant Interpretation Standards - Updated. Collection method: curation. Allele origin: germline. Affected: yes.
Comment: GAA p.Val466Gly (c.1397T>G) is a missense variant that changes the amino acid at codon 466 from Valine to Glycine. This variant has been observed in at least one proband with a GAA-related disorder (PMID:17056254). At least one functional study has demonstrated a substantial alteration in protein function relative to the wild-type (PMID:19862843). The presence of pathogenic/likely pathogenic missense variant(s) at the same amino acid position indicates that this residue is likely important for protein function. It is absent or not present at a significant frequency in gnomAD. In silico models predict that this variant is possibly or probably damaging. In conclusion, we classify GAA p.Val466Gly (c.1397T>G) as a likely pathogenic variant.

Natera, Inc.
Classification: Likely pathogenic for Glycogen storage disease type II. Last evaluated: 2025-10-05. Review status: criteria provided, single submitter. Criteria: Natera Variant Classification Schema (03/2026). Collection method: clinical testing. Allele origin: germline.
Comment: The c.1397T>G variant in GAA is a missense variant predicted to cause substitution of valine to glycine at amino acid 466. This variant is rare in the general population with a frequency below the threshold expected for the associated phenotype(s). This variant has been observed in one or more individuals affected with the associated recessive disease, as either homozygous or compound heterozygous with a second variant (PMID: 37454519, 17056254). Functional studies show that this variant may disrupt protein function (PMID: 19862843). Computational prediction algorithms indicate this variant is likely to affect gene or protein function. Given the available evidence, this variant is classified as Likely Pathogenic.

Literature cited by the submitters: PubMed 17056254 (cited by Genomenon, Inc and Natera, Inc.); PubMed 19862843 (cited by Genomenon, Inc and Natera, Inc.); PubMed 37454519 (cited by Natera, Inc.).

NM_000152.5(GAA):c.1397T>G (p.Val466Gly)

Gene: GAA (alpha glucosidase; plus strand). Cytogenetic location: 17q25.3.
Variant type: single nucleotide variant.
Coding change: c.1397T>G on transcript NM_000152.5 (MANE Select); coding-DNA position 1397, T replaced by G.
Protein change: p.Val466Gly; replaces valine 466 with glycine.
Molecular consequence: missense variant.
Genome position (GRCh38, 1-based): chr17:80,110,015, T>G. VCF-style: chr17-80110015-T-G. GRCh37 (hg19) VCF-style: chr17-78083814-T-G.
Other names: c.1397T>G, p.Val466Gly (NM_001079803.3, NM_001079804.3, NM_001406741.1 and 1 more transcripts); short protein forms V466G.
Identifiers: ClinVar variation 4817581 (VCV004817581.2).